The following is an entry in ClinVar:

ClinVar aggregate classification (germline): Pathogenic. Review status: criteria provided, multiple submitters, no conflicts (2 of 4 stars). 10 submissions from 10 submitters: Pathogenic (8). 2 of the submissions do not count toward it. Last evaluated 2026-09-17.

Conditions:
Metachromatic leukodystrophy (MLD). Also called: METACHROMATIC LEUKOENCEPHALOPATHY; ARSA DEFICIENCY; CEREBROSIDE SULFATASE DEFICIENCY; SULFATIDE LIPIDOSIS; Arylsulfatase A Deficiency; Cerebral sclerosis diffuse metachromatic form. Identifiers: Orphanet 512, MedGen C0023522, MONDO:0018868, OMIM 250100.
Metachromatic leukodystrophy, juvenile type. Also called: Metachromatic leukodystrophy, juvenile form. Identifiers: Orphanet 309263, MedGen C0751276, MONDO:0009591.

Allele frequency attached by ClinVar (database versions not stated): ExAC 0.00001; gnomAD 0.00001; TOPMed 0.00001.
gnomAD v4.1: 14 of 1,613,136 alleles (0.00087%); highest among the groups gnomAD compares: African/African-American, 0.0013%; no homozygotes.

Submissions (10):

Laboratory of Experimental Gene Therapy of Hereditary Metabolic Diseases, Research Centre for Medical Genetics
Classification: Pathogenic for Metachromatic leukodystrophy. Last evaluated: 2026-09-17. Review status: criteria provided, single submitter. Criteria: ARSA MLD Assertion Criteria V2 2026 09 18. Collection method: clinical testing. Allele origin: germline. Inheritance: Autosomal recessive inheritance. Observed: 1 variant allele, 1 heterozygote.
Comment: The previously reported Pathogenic classification was reviewed and retained for the accompanying study. External ClinVar record reviewed: VCV000003058.59. Observations from the present referral series were not used to establish pathogenicity.

Labcorp Genetics (formerly Invitae), Labcorp
Classification: Pathogenic for Metachromatic leukodystrophy. Last evaluated: 2025-08-11. Review status: criteria provided, single submitter. Criteria: Invitae Variant Classification Sherloc (09022015). Collection method: clinical testing. Allele origin: germline.
Comment: This sequence change affects a donor splice site in intron 7 of the ARSA gene. While this variant is not anticipated to result in nonsense mediated decay, it likely alters RNA splicing and results in a disrupted protein product. This variant is present in population databases (rs80338820, gnomAD 0.002%). Disruption of this splice site has been observed in individuals with metachromatic leukodystrophy (PMID: 1684088, 16110195, 19021637; internal data). This variant is also known as c.1204+1G>A and E7S2195. ClinVar contains an entry for this variant (Variation ID: 3058). Variants that disrupt the consensus splice site are a relatively common cause of aberrant splicing (PMID: 17576681, 9536098). Algorithms developed to predict the effect of sequence changes on RNA splicing suggest that this variant may disrupt the consensus splice site. For these reasons, this variant has been classified as Pathogenic.

Natera, Inc.
Classification: Pathogenic for Metachromatic leukodystrophy. Last evaluated: 2025-05-02. Review status: criteria provided, single submitter. Criteria: Natera Variant Classification Schema (03/2026). Collection method: clinical testing. Allele origin: germline.
Comment: The c.1210+1G>A variant in ARSA is a canonical splice donor site variant predicted to affect pre-mRNA splicing, which may result in an abnormal transcript and altered protein product. This variant is expected to result in nonsense mediated decay, truncation, or a dysfunctional protein product. This variant is rare in the general population with a frequency below the threshold expected for the associated phenotype(s). This variant has been observed in one or more individuals affected with the associated recessive disease, as either homozygous or compound heterozygous with a second variant (PMID: 20339381). Given the available evidence, this variant is classified as Pathogenic.

CeGaT Center for Human Genetics Tuebingen
Classification: Pathogenic. Last evaluated: 2021-12-01. Review status: criteria provided, single submitter. Criteria: CeGaT Center For Human Genetics Tuebingen Variant Classification Criteria Version 2. Collection method: clinical testing. Allele origin: germline. Affected: yes. Observed: 2 variant alleles.

Women's Health and Genetics/Laboratory Corporation of America, LabCorp
Classification: Pathogenic for Metachromatic leukodystrophy. Last evaluated: 2021-01-23. Review status: criteria provided, single submitter. Criteria: LabCorp Variant Classification Summary - May 2015. Collection method: clinical testing. Allele origin: germline.
Comment: Variant summary: ARSA c.1210+1G>A is located in a canonical splice-site and is predicted to affect mRNA splicing resulting in a significantly altered protein due to either exon skipping, shortening, or inclusion of intronic material. Several computational tools predict a significant impact on normal splicing: Four predict the variant abolishes a 5' splicing donor site. However, these predictions have yet to be confirmed by functional studies. The variant allele was found at a frequency of 4e-06 in 250804 control chromosomes. c.1210+1G>A has been reported in the literature in individuals affected with Metachromatic Leukodystrophy and has been subsequently cited by others (example, Fluherty_1991, Lugowska_2005, Lugowska_2009, Rauschka_2006). These data indicate that the variant is likely to be associated with disease. To our knowledge, no experimental evidence demonstrating an impact on protein function has been reported. Three clinical diagnostic laboratories have submitted clinical-significance assessments for this variant to ClinVar after 2014 without evidence for independent evaluation. All laboratories classified the variant as pathogenic with some citing overlapping evidence utilized in the context of this evaluation. Based on the evidence outlined above, the variant was classified as pathogenic.

Myriad Genetics, Inc.
Classification: Pathogenic for Metachromatic leukodystrophy. Last evaluated: 2019-11-11. Review status: criteria provided, single submitter. Criteria: Myriad Women's Health Autosomal Recessive and X-Linked Classification Criteria (2019). Collection method: clinical testing. Allele origin: unknown.
Comment: NM_000487.5(ARSA):c.1210+1G>A is classified as pathogenic in the context of metachromatic leukodystrophy. Sources cited for classification include the following: PMID 23701968 and 1684088. Classification of NM_000487.5(ARSA):c.1210+1G>A is based on the following criteria: The variant is located at a canonical splice site, is expected to disrupt gene function and is reported in individuals with the relevant phenotype. Please note: this variant was assessed in the context of healthy population screening.

Athena Diagnostics
Classification: Pathogenic. Last evaluated: 2019-03-14. Review status: criteria provided, single submitter. Criteria: Athena Diagnostics Criteria. Collection method: clinical testing. Allele origin: germline.
Comment: The variant disrupts a canonical splice site, and is therefore predicted to result in the loss of a functional protein. Found in at least one symptomatic patient and found in general population data that is consistent with pathogenicity. Predicted to negatively affect a known splice site.

Eurofins Ntd Llc (ga)
Classification: Pathogenic. Last evaluated: 2014-06-13. Review status: criteria provided, single submitter. Criteria: EGL Classification Definitions 2015. Collection method: clinical testing. Allele origin: germline.

OMIM
Classification: Pathogenic for METACHROMATIC LEUKODYSTROPHY, JUVENILE. Last evaluated: 1991-12-01. Review status: no assertion criteria provided. Collection method: literature only. Allele origin: germline. Not counted in ClinVar's aggregate classification.

GeneReviews
No classification provided. Condition: Metachromatic leukodystrophy. Review status: no classification provided. Collection method: literature only. Allele origin: germline. Not counted in ClinVar's aggregate classification.

Literature cited by the submitters: PubMed 1684088 (cited by 5 submitters); PubMed 16110195 (cited by 3 submitters); PubMed 19021637 (cited by 3 submitters); PubMed 17576681 (cited by Labcorp Genetics (formerly Invitae), Labcorp); PubMed 9536098 (cited by Labcorp Genetics (formerly Invitae), Labcorp); PubMed 20339381 (cited by Natera, Inc.); PubMed 16966551 (cited by Women's Health and Genetics/Laboratory Corporation of America, LabCorp); PubMed 23701968 (cited by Myriad Genetics, Inc.); PubMed 25525159 (cited by Athena Diagnostics); PubMed 26131420 (cited by Athena Diagnostics); NCBI Bookshelf NBK1130 (cited by GeneReviews); NCBI Bookshelf NBK1684088 (cited by GeneReviews); NCBI Bookshelf NBK15952986 (cited by GeneReviews).

NM_000487.6(ARSA):c.1210+1G>A

Gene: ARSA (arylsulfatase A; minus strand). Cytogenetic location: 22q13.33.
Variant type: single nucleotide variant.
Coding change: c.1210+1G>A on transcript NM_000487.6 (MANE Select); the canonical splice donor site of the intron after coding-DNA position 1210, G replaced by A.
Molecular consequence: splice donor variant.
Genome position (GRCh38, 1-based): chr22:50,625,578, C>T on the plus strand (G>A on the coding strand, the complement: ARSA is on the minus strand). VCF-style: chr22-50625578-C-T. GRCh37 (hg19) VCF-style: chr22-51064006-C-T.
Other names: IVS7DS, G-A, +1; c.952+1G>A (NM_001362782.2, NM_001085428.3); c.1210+1G>A (NM_001085427.3, NM_001085426.3, NM_001085425.3).
Identifiers: ClinVar variation 3058 (VCV000003058.61), dbSNP rs80338820, ClinGen allele CA115964.
Genomic context (GRCh38, chr22:50,625,578, plus strand): 5'-GATCTAGGGCTCCGGGGAGGGGTCAGCAGGTCGGGGGGAGGGATCCACGGGGAGGGGTTA[C>T]CCTGGGTGAAGAAGTGAGCCTTGTACTTTCCAGTCCGCACAGCAAAAACCCCACGGACCT-3'